The following is an entry in ClinVar:

ClinVar aggregate classification (germline): Likely benign. Review status: criteria provided, multiple submitters, no conflicts (2 of 4 stars). 2 submissions from 2 submitters: Likely benign (2). Last evaluated 2026-02-01.

Allele frequency attached by ClinVar (database versions not stated): ExAC 0.00013; 1000 Genomes Project 30x 0.00016; 1000 Genomes Project 0.00020; TOPMed 0.00035; gnomAD 0.00044 and 0.00046; ESP Exome Variant Server 0.00046.
gnomAD v4.1: 108 of 1,614,108 alleles (0.0067%); highest among the groups gnomAD compares: African/African-American, 0.13%; no homozygotes.

Submissions (2):

CeGaT Center for Human Genetics Tuebingen
Classification: Likely benign. Last evaluated: 2026-02-01. Review status: criteria provided, single submitter. Criteria: CeGaT Center For Human Genetics Tuebingen Variant Classification Criteria Version 2. Collection method: clinical testing. Allele origin: germline. Affected: yes. Observed: 1 variant allele.
Comment: SON: BS1

Labcorp Genetics (formerly Invitae), Labcorp
Classification: Likely benign. Last evaluated: 2026-01-28. Review status: criteria provided, single submitter. Criteria: Invitae Variant Classification Sherloc (09022015). Collection method: clinical testing. Allele origin: germline.

NM_138927.4(SON):c.1580A>G (p.His527Arg)

Gene: SON (SON DNA and RNA binding protein; plus strand). Cytogenetic location: 21q22.11.
Variant type: single nucleotide variant.
Coding change: c.1580A>G on transcript NM_138927.4 (MANE Select); coding-DNA position 1580, A replaced by G.
Protein change: p.His527Arg; replaces histidine 527 with arginine.
Molecular consequence: missense variant. On other transcripts: non-coding transcript variant (1), intron variant (1).
Genome position (GRCh38, 1-based): chr21:33,550,811, A>G. VCF-style: chr21-33550811-A-G. GRCh37 (hg19) VCF-style: chr21-34923117-A-G.
Other names: c.1580A>G, p.His527Arg (NM_001291411.2, NM_032195.3); c.244+4432A>G (NM_001291412.3); short protein forms H527R.
Identifiers: ClinVar variation 1564403 (VCV001564403.12), dbSNP rs146426583, ClinGen allele CA10008929.
Genomic context (GRCh38, chr21:33,550,811, plus strand): 5'-CTGTGACGACGACAGAGTTGGAGCAGCCTGTGGGGATGACAACGGTGGAACATCCTGGGC[A>G]TCCTGAGGTGACAACGGCAACAGGGTTGCTGGGGCAGCCTGAGGCAACGATGGTGCTGGA-3'
Protein context (NP_620305.3, residues 517-537): VGMTTVEHPG[His527Arg]PEVTTATGLL